The following is an entry in ClinVar:

ClinVar aggregate classification (germline): Uncertain significance (1 of 4 stars; one submission).

Conditions:
POLD1-related polyposis and colorectal cancer syndrome (CRCS10). Also called: COLORECTAL CANCER, SUSCEPTIBILITY TO, ON CHROMOSOME 19q; Colorectal cancer 10; Colorectal cancer, susceptibility to, 10. Identifiers: Orphanet 220460, MedGen C2675481, MONDO:0012953, OMIM 612591.

Submission:

Labcorp Genetics (formerly Invitae), Labcorp
Classification: Uncertain significance for POLD1-related polyposis and colorectal cancer syndrome. Last evaluated: 2025-02-26. Review status: criteria provided, single submitter. Criteria: Invitae Variant Classification Sherloc (09022015). Collection method: clinical testing. Allele origin: germline.
Comment: This sequence change replaces glutamine, which is neutral and polar, with leucine, which is neutral and non-polar, at codon 1092 of the POLD1 protein (p.Gln1092Leu). This variant is not present in population databases (gnomAD no frequency). This variant has not been reported in the literature in individuals affected with POLD1-related conditions. Invitae Evidence Modeling of protein sequence and biophysical properties (such as structural, functional, and spatial information, amino acid conservation, physicochemical variation, residue mobility, and thermodynamic stability) indicates that this missense variant is not expected to disrupt POLD1 protein function with a negative predictive value of 80%. In summary, the available evidence is currently insufficient to determine the role of this variant in disease. Therefore, it has been classified as a Variant of Uncertain Significance.

NM_002691.4(POLD1):c.3275A>T (p.Gln1092Leu)

Gene: POLD1 (DNA polymerase delta 1, catalytic subunit; plus strand). Cytogenetic location: 19q13.33.
Variant type: single nucleotide variant.
Coding change: c.3275A>T on transcript NM_002691.4 (MANE Select); coding-DNA position 3275, A replaced by T.
Protein change: p.Gln1092Leu; replaces glutamine 1092 with leucine.
Molecular consequence: missense variant. On other transcripts: non-coding transcript variant (1).
Genome position (GRCh38, 1-based): chr19:50,417,898, A>T. VCF-style: chr19-50417898-A-T. GRCh37 (hg19) VCF-style: chr19-50921155-A-T.
Other names: c.3275A>T, p.Gln1092Leu (NM_001256849.1, NM_001438212.1, NM_001438213.1); c.3353A>T, p.Gln1118Leu (NM_001308632.1); c.3203A>T, p.Gln1068Leu (NM_001438210.1, NM_001438211.1); short protein forms Q1068L, Q1092L, Q1118L.
Identifiers: ClinVar variation 4744748 (VCV004744748.1).